The following is an entry in ClinVar:

NM_022828.5(YTHDC2):c.4026C>T (p.Phe1342=)

Gene: YTHDC2 (YTH N6-methyladenosine RNA binding protein C2; plus strand). Cytogenetic location: 5q22.2.
Variant type: single nucleotide variant.
Coding change: c.4026C>T on transcript NM_022828.5 (MANE Select); coding-DNA position 4026, C replaced by T.
Protein change: p.Phe1342=; no amino-acid change (phenylalanine 1342 retained).
Molecular consequence: synonymous variant.
Genome position (GRCh38, 1-based): chr5:113,591,241, C>T. VCF-style: chr5-113591241-C-T. GRCh37 (hg19) VCF-style: chr5-112926938-C-T.
Other names: c.3540C>T, p.Phe1180= (NM_001345975.2); c.3126C>T, p.Phe1042= (NM_001345976.2).
Identifiers: ClinVar variation 3043828 (VCV003043828.2), dbSNP rs148010171, ClinGen allele CA3372618.

ClinVar aggregate classification (germline): Benign (0 of 4 stars; one submission).

Conditions:
YTHDC2-related disorder. Also called: YTHDC2-related condition.

Allele frequency attached by ClinVar (database versions not stated): ExAC 0.00317; TOPMed 0.00323; gnomAD 0.00341; 1000 Genomes Project 30x 0.00078; 1000 Genomes Project 0.00080; ESP Exome Variant Server 0.00300; gnomAD exomes 0.00414.
gnomAD v4.1: 6,585 of 1,613,688 alleles (0.41%); highest among the groups gnomAD compares: Non-Finnish European, 0.46%; 27 homozygotes.

Submission:

PreventionGenetics, part of Exact Sciences
Classification: Benign for YTHDC2-related condition. Last evaluated: 2019-09-17. Review status: no assertion criteria provided. Collection method: clinical testing. Allele origin: germline.
Comment: This variant is classified as benign based on ACMG/AMP sequence variant interpretation guidelines (Richards et al. 2015 PMID: 25741868, with internal and published modifications).